The following is an entry in ClinVar:

ClinVar aggregate classification (germline): Pathogenic. Review status: criteria provided, multiple submitters, no conflicts (2 of 4 stars). 2 submissions from 2 submitters: Pathogenic (2). Last evaluated 2024-10-24.

Conditions:
Mucopolysaccharidosis, MPS-II (MPS2). Also called: Hunter Syndrome; IDURONATE 2-SULFATASE DEFICIENCY; Mucopolysaccharidosis Type II; Mucopolysaccharidosis type 2; Attenuated MPS (subtype; formerly known as mild MPS II); Severe MPS II. Identifiers: Orphanet 580, Orphanet 79388, MedGen C0026705, MONDO:0010674, OMIM 309900.

Submissions (2):

GeneDx
Classification: Pathogenic. Last evaluated: 2024-10-24. Review status: criteria provided, single submitter. Criteria: GeneDx Variant Classification Process June 2021. Collection method: clinical testing. Allele origin: germline. Affected: yes.
Comment: Canonical splice site variant predicted to result in a null allele in a gene for which loss of function is a known mechanism of disease; Not observed at significant frequency in large population cohorts (gnomAD); Identified in an individual suspected of having a metabolic disorder who had iduronate-2-sulfatase enzyme testing that supported a diagnosis of mucopolysaccharidosis type 2 (PMID: 35614200); This variant is associated with the following publications: (PMID: 36945845, 35614200)

Laboratory of Diagnosis and Therapy of Lysosomal Disorders, University of Padova
Classification: Pathogenic for Mucopolysaccharidosis, MPS-II. Last evaluated: 2024-06-07. Review status: criteria provided, single submitter. Criteria: ACMG Guidelines, 2015. Collection method: literature only. Allele origin: germline. Affected: yes. Observed: 1 variant allele.
Comment: Null variant (PVS1_VeryStrong), Absent from controls (or at low frequency) in gnomAD database (PM2_Moderate), Patient’s phenotype or family history highly specific for the disease (PP4_Strong)

Classification method: ACMG Guidelines [PMID:25741868] with modifications

Literature cited by the submitters: PubMed 36945845 (cited by Laboratory of Diagnosis and Therapy of Lysosomal Disorders, University of Padova).

NM_000202.8(IDS):c.103+1G>A

Gene: IDS (iduronate 2-sulfatase; minus strand). Cytogenetic location: Xq28.
Variant type: single nucleotide variant.
Coding change: c.103+1G>A on transcript NM_000202.8 (MANE Select); the canonical splice donor site of the intron after coding-DNA position 103, G replaced by A.
Molecular consequence: splice donor variant.
Genome position (GRCh38, 1-based): chrX:149,505,034, C>T on the plus strand (G>A on the coding strand, the complement: IDS is on the minus strand). VCF-style: chrX-149505034-C-T. GRCh37 (hg19) VCF-style: chrX-148586564-C-T.
Other names: c.-124+1G>A (NM_001166550.4); c.103+1G>A (NM_006123.5).
Identifiers: ClinVar variation 3255738 (VCV003255738.3).
Genomic context (GRCh38, chrX:149,505,034, plus strand): 5'-GAAGGAGGAAGGAAGGGAGGGAGGAAGGGAGAAGAGATGGCAGGGAGGGCGTGGGCGGCA[C>T]CTGTGGTCGAGTTGGCCTGCGTTTCGGATCCGAGGGCGACGCAGACGGAGCTCAGAACCA-3'